The following is an entry in ClinVar:

ClinVar aggregate classification (germline): Uncertain significance (1 of 4 stars; one submission).

Conditions:
Hereditary cancer-predisposing syndrome. Also called: Neoplastic Syndromes, Hereditary; Tumor predisposition; Hereditary neoplastic syndrome; Hereditary Cancer Syndrome. Identifiers: Orphanet 140162, MedGen C0027672, MeSH D009386, MONDO:0015356.

gnomAD v4.1: 2 of 1,613,490 alleles (0.00012%); highest among the groups gnomAD compares: Admixed American, 0.0017%; no homozygotes.

Submission:

Ambry Genetics
Classification: Uncertain significance for Hereditary cancer-predisposing syndrome. Last evaluated: 2026-07-14. Review status: criteria provided, single submitter. Criteria: Ambry Variant Classification Scheme 2023. Collection method: clinical testing. Allele origin: germline.
Comment: The p.P540L variant (also known as c.1619C>T), located in coding exon 9 of the MEN1 gene, results from a C to T substitution at nucleotide position 1619. The proline at codon 540 is replaced by leucine, an amino acid with similar properties. This amino acid position is well conserved in available vertebrate species. In addition, the in silico prediction for this alteration is inconclusive. Based on the available evidence, the clinical significance of this variant remains unclear.

NM_001370259.2(MEN1):c.1619C>T (p.Pro540Leu)

Gene: MEN1 (menin 1; minus strand). Cytogenetic location: 11q13.1.
Variant type: single nucleotide variant.
Coding change: c.1619C>T on transcript NM_001370259.2 (MANE Select); coding-DNA position 1619, C replaced by T.
Protein change: p.Pro540Leu; replaces proline 540 with leucine.
Molecular consequence: missense variant. On other transcripts: non-coding transcript variant (4).
Genome position (GRCh38, 1-based): chr11:64,804,548, G>A on the plus strand (C>T on the coding strand, the complement: MEN1 is on the minus strand). VCF-style: chr11-64804548-G-A. GRCh37 (hg19) VCF-style: chr11-64572020-G-A.
Other names: c.1634C>T, p.Pro545Leu (NM_000244.4, NM_001407145.1, NM_130800.3 and 4 more transcripts); c.1745C>T, p.Pro582Leu (NM_001370251.2, NM_001407142.1, NM_001407143.1 and 1 more transcripts); c.1619C>T, p.Pro540Leu (NM_001370260.2, NM_001370261.2, NM_001407146.1 and 2 more transcripts); c.1514C>T, p.Pro505Leu (NM_001370262.2, NM_001370263.2, NM_001407148.1 and 1 more transcripts); c.1760C>T, p.Pro587Leu (NM_001407150.1); c.1640C>T, p.Pro547Leu (NM_001407151.1); c.1454C>T, p.Pro485Leu (NM_001407152.1); short protein forms P485L, P587L, P505L, P582L, P547L, P540L, P545L.
Identifiers: ClinVar variation 5024268 (VCV005024268.1).